The following is an entry in ClinVar:

ClinVar aggregate classification (germline): Uncertain significance (1 of 4 stars; one submission).

Submission:

ISCA site 4
Classification: Uncertain significance. Last evaluated: 2011-08-12. Review status: criteria provided, single submitter. Criteria: Kaminsky et al. (Genet Med. 2011). Collection method: clinical testing. Allele origin: de novo. Affected: yes. Observed: 1 variant allele.
Comment: Copy number variation identified through the course of routine clinical cytogenomic testing in postnatal populations. Clinical assertions have been curated as described in Kaminsky et al. 2011.

GRCh38/hg38 11p15.5(chr11:196966-244236)x1

Genes: BET1L (Bet1 golgi vesicular membrane trafficking protein like; minus strand), CIMAP1A (ciliary microtubule associated protein 1A; plus strand), MIR6743 (microRNA 6743; plus strand), PSMD13 (proteasome 26S subunit, non-ATPase 13; plus strand), RIC8A (RIC8 guanine nucleotide exchange factor A; plus strand) and 5 more. Cytogenetic location: 11p15.5.
Variant type: copy number loss.
Change: copy number 1 (one copy instead of two) of chr11:196,966-244,236 (47.3 kb, GRCh38 coordinates, 1-based), cytogenetic band 11p15.5.
Identifiers: ClinVar variation 161085 (VCV000161085.1).